The following is an entry in ClinVar:

ClinVar aggregate classification (germline): Conflicting classifications of pathogenicity. Review status: criteria provided, conflicting classifications (1 of 4 stars). 2 submissions from 2 submitters: Uncertain significance (1); Likely benign (1). Last evaluated 2026-06-06.

Conditions:
Inborn genetic diseases. Identifiers: MedGen C0950123, MeSH D030342.

Allele frequency attached by ClinVar (database versions not stated): TOPMed 0.00001; gnomAD exomes 0.00002; ExAC 0.00001.

Submissions (2):

Ambry Genetics
Classification: Likely benign for Inborn genetic diseases. Last evaluated: 2026-06-06. Review status: criteria provided, single submitter. Criteria: Ambry Variant Classification Scheme 2023. Collection method: clinical testing. Allele origin: germline.

Labcorp Genetics (formerly Invitae), Labcorp
Classification: Uncertain significance. Last evaluated: 2022-07-14. Review status: criteria provided, single submitter. Criteria: Invitae Variant Classification Sherloc (09022015). Collection method: clinical testing. Allele origin: germline.
Comment: This sequence change replaces proline, which is neutral and non-polar, with serine, which is neutral and polar, at codon 1790 of the SZT2 protein (p.Pro1790Ser). This variant is present in population databases (rs753131537, gnomAD 0.003%). This variant has not been reported in the literature in individuals affected with SZT2-related conditions. Algorithms developed to predict the effect of missense changes on protein structure and function output the following: SIFT: "Deleterious"; PolyPhen-2: "Benign"; Align-GVGD: "Class C0". The serine amino acid residue is found in multiple mammalian species, which suggests that this missense change does not adversely affect protein function. In summary, the available evidence is currently insufficient to determine the role of this variant in disease. Therefore, it has been classified as a Variant of Uncertain Significance.

NM_001365999.1(SZT2):c.5539C>T (p.Pro1847Ser)

Gene: SZT2 (SZT2 subunit of KICSTOR complex; plus strand). Cytogenetic location: 1p34.2.
Variant type: single nucleotide variant.
Coding change: c.5539C>T on transcript NM_001365999.1 (MANE Select); coding-DNA position 5539, C replaced by T.
Protein change: p.Pro1847Ser; replaces proline 1847 with serine.
Molecular consequence: missense variant.
Genome position (GRCh38, 1-based): chr1:43,432,736, C>T. VCF-style: chr1-43432736-C-T. GRCh37 (hg19) VCF-style: chr1-43898407-C-T.
Other names: c.5368C>T, p.Pro1790Ser (NM_015284.4); c.5368C>T (NM_015284.3); short protein forms P1847S, P1790S.
Identifiers: ClinVar variation 2156703 (VCV002156703.2), dbSNP rs753131537, ClinGen allele CA809624.